The following is an entry in ClinVar:

NM_173477.5(USH1G):c.146_147insAG (p.Leu50fs)

Gene: USH1G (USH1 protein network component sans; minus strand). Cytogenetic location: 17q25.1.
Variant type: Insertion.
Coding change: c.146_147insAG on transcript NM_173477.5 (MANE Select); coding-DNA positions 146 to 147, AG inserted.
Protein change: p.Leu50fs; shifts the reading frame from leucine 50.
Molecular consequence: frameshift variant. On other transcripts: 5 prime UTR variant (1).
Genome position: GRCh38 VCF-style: chr17-74922927-A-ACT. GRCh37 (hg19) VCF-style: chr17-72919022-A-ACT.
Other names: c.-111_-110insAG (NM_001282489.3); short protein forms L50fs.
Identifiers: ClinVar variation 3601025 (VCV003601025.1).

ClinVar aggregate classification (germline): Pathogenic (1 of 4 stars; one submission).

Conditions:
Usher syndrome type 1G. Also called: USHER SYNDROME, TYPE IG, MILD. Identifiers: Orphanet 231169, Orphanet 886, MedGen C1847089, MONDO:0011748, OMIM 606943.

Submission:

Institute of Rare Diseases, West China Hospital, Sichuan University
Classification: Pathogenic for Usher syndrome type 1G. Last evaluated: 2025-01-09. Review status: criteria provided, single submitter. Criteria: ClinGen HL ACMG Specifications v1. Collection method: research. Allele origin: germline. Affected: yes.
Comment: PVS1;PM3_Supporting;PM2_Supporting